The following is an entry in ClinVar:

ClinVar aggregate classification (germline): Uncertain significance (1 of 4 stars; one submission).

Submission:

Mayo Clinic Laboratories, Mayo Clinic
Classification: Uncertain significance. Last evaluated: 2025-10-31. Review status: criteria provided, single submitter. Criteria: ACMG Guidelines, 2015. Collection method: clinical testing. Allele origin: germline. Observed: 1 variant allele.
Comment: BP4_moderate, PM2_supporting

NM_001367624.2(ZNF469):c.2523C>G (p.Asp841Glu)

Gene: ZNF469 (zinc finger protein 469; plus strand). Cytogenetic location: 16q24.2.
Variant type: single nucleotide variant.
Coding change: c.2523C>G on transcript NM_001367624.2 (MANE Select); coding-DNA position 2523, C replaced by G.
Protein change: p.Asp841Glu; replaces aspartic acid 841 with glutamic acid.
Molecular consequence: missense variant.
Genome position (GRCh38, 1-based): chr16:88,429,993, C>G. VCF-style: chr16-88429993-C-G. GRCh37 (hg19) VCF-style: chr16-88496401-C-G.
Other names: p.Asp841Glu; short protein forms D841E.
Identifiers: ClinVar variation 4542057 (VCV004542057.1).